The following is an entry in ClinVar:

ClinVar aggregate classification (germline): Uncertain significance (1 of 4 stars; one submission).

Conditions:
Heterotopia, periventricular, X-linked dominant (PVNH1). Also called: PERIVENTRICULAR NODULAR HETEROTOPIA 4; HETEROTOPIA, PERIVENTRICULAR, 1; PERIVENTRICULAR NODULAR HETEROTOPIA 1; X-linked periventricular heterotopia. Identifiers: Orphanet 2149, Orphanet 82004, MedGen C1848213, MONDO:0010233, OMIM 300049.
Oto-palato-digital syndrome, type II (OPD2). Also called: Otopalatodigital Syndrome, Type II; FACIOPALATOOSSEOUS SYNDROME; OPD II SYNDROME; Otopalatodigital Syndrome Type 2 (FLNA-OPD2). Identifiers: Orphanet 669, Orphanet 90652, MedGen C1844696, MONDO:0010571, OMIM 304120.
Melnick-Needles syndrome (MNS). Also called: MELNICK-NEEDLES OSTEODYSPLASTY; OSTEODYSPLASTY OF MELNICK AND NEEDLES; Melnick-Needles Syndrome (FLNA-MNS). Identifiers: Orphanet 2484, MedGen C0025237, MONDO:0010650, OMIM 309350.
Frontometaphyseal dysplasia (FMD1). Identifiers: Orphanet 1826, MedGen C0265293, MONDO:0015942.

Submission:

Labcorp Genetics (formerly Invitae), Labcorp
Classification: Uncertain significance for Oto-palato-digital syndrome, type II; Heterotopia, periventricular, X-linked dominant; Frontometaphyseal dysplasia; Melnick-Needles syndrome. Last evaluated: 2025-02-11. Review status: criteria provided, single submitter. Criteria: Invitae Variant Classification Sherloc (09022015). Collection method: clinical testing. Allele origin: germline.
Comment: This sequence change replaces threonine, which is neutral and polar, with isoleucine, which is neutral and non-polar, at codon 1605 of the FLNA protein (p.Thr1605Ile). This variant is not present in population databases (gnomAD no frequency). This variant has not been reported in the literature in individuals affected with FLNA-related conditions. Invitae Evidence Modeling of protein sequence and biophysical properties (such as structural, functional, and spatial information, amino acid conservation, physicochemical variation, residue mobility, and thermodynamic stability) indicates that this missense variant is not expected to disrupt FLNA protein function with a negative predictive value of 95%. In summary, the available evidence is currently insufficient to determine the role of this variant in disease. Therefore, it has been classified as a Variant of Uncertain Significance.

NM_001110556.2(FLNA):c.4814C>T (p.Thr1605Ile)

Gene: FLNA (filamin A; minus strand). Cytogenetic location: Xq28.
Variant type: single nucleotide variant.
Coding change: c.4814C>T on transcript NM_001110556.2 (MANE Select); coding-DNA position 4814, C replaced by T.
Protein change: p.Thr1605Ile; replaces threonine 1605 with isoleucine.
Molecular consequence: missense variant.
Genome position (GRCh38, 1-based): chrX:154,357,565, G>A on the plus strand (C>T on the coding strand, the complement: FLNA is on the minus strand). VCF-style: chrX-154357565-G-A. GRCh37 (hg19) VCF-style: chrX-153585933-G-A.
Other names: c.4814C>T, p.Thr1605Ile (NM_001456.4); short protein forms T1605I.
Identifiers: ClinVar variation 4789582 (VCV004789582.1).